The following is an entry in ClinVar:

NM_001370259.2(MEN1):c.1550A>G (p.Lys517Arg)

Gene: MEN1 (menin 1; minus strand). Cytogenetic location: 11q13.1.
Variant type: single nucleotide variant.
Coding change: c.1550A>G on transcript NM_001370259.2 (MANE Select); coding-DNA position 1550, A replaced by G.
Protein change: p.Lys517Arg; replaces lysine 517 with arginine.
Molecular consequence: missense variant. On other transcripts: non-coding transcript variant (4).
Genome position (GRCh38, 1-based): chr11:64,804,617, T>C on the plus strand (A>G on the coding strand, the complement: MEN1 is on the minus strand). VCF-style: chr11-64804617-T-C. GRCh37 (hg19) VCF-style: chr11-64572089-T-C.
Other names: c.1550A>G, p.Lys517Arg (NM_001370260.2, NM_001370261.2, NM_001407146.1 and 2 more transcripts); c.1445A>G, p.Lys482Arg (NM_001370262.2, NM_001370263.2, NM_001407148.1 and 1 more transcripts); c.1676A>G, p.Lys559Arg (NM_001407142.1, NM_001407143.1, NM_001407144.1 and 1 more transcripts); c.1565A>G, p.Lys522Arg (NM_001407145.1, NM_130802.3, NM_130803.3 and 4 more transcripts); c.1691A>G, p.Lys564Arg (NM_001407150.1); c.1571A>G, p.Lys524Arg (NM_001407151.1); c.1385A>G, p.Lys462Arg (NM_001407152.1); short protein forms K482R, K559R, K564R, K522R, K462R, K517R, K524R.
Identifiers: ClinVar variation 3634188 (VCV003634188.3).
Genomic context (GRCh38, chr11:64,804,617, plus strand): 5'-ACCTGAGCCGTGCTGCCACCTTCAGGGCCTCGGGCTGTGCCAGCGACAGTCCCAGGAGGC[T>C]TCCGGGGGGGTCCTGACACTGCACCCTGGCCGGTGCCCAGGCCCTTGTCCAGTGCTGGCT-3'
Protein context (NP_001357188.2, residues 507-527): GQGAVSGPPR[Lys517Arg]PPGTVAGTAR

ClinVar aggregate classification (germline): Uncertain significance. Review status: criteria provided, multiple submitters, no conflicts (2 of 4 stars). 2 submissions from 2 submitters: Uncertain significance (2). Last evaluated 2025-11-29.

Conditions:
Multiple endocrine neoplasia, type 1 (MEN1). Also called: MEN I; WERMER SYNDROME; Endocrine adenomatosis multiple; MEN 1; MEA I. Identifiers: Orphanet 652, MedGen C0025267, MeSH D018761, MONDO:0007540, OMIM 131100.

Submissions (2):

Women's Health and Genetics/Laboratory Corporation of America, LabCorp
Classification: Uncertain significance. Last evaluated: 2025-11-29. Review status: criteria provided, single submitter. Criteria: LabCorp Variant Classification Summary - May 2015. Collection method: clinical testing. Allele origin: germline.

Labcorp Genetics (formerly Invitae), Labcorp
Classification: Uncertain significance for Multiple endocrine neoplasia, type 1. Last evaluated: 2024-06-19. Review status: criteria provided, single submitter. Criteria: Invitae Variant Classification Sherloc (09022015). Collection method: clinical testing. Allele origin: germline.
Comment: This sequence change replaces lysine, which is basic and polar, with arginine, which is basic and polar, at codon 517 of the MEN1 protein (p.Lys517Arg). This variant is not present in population databases (gnomAD no frequency). This variant has not been reported in the literature in individuals affected with MEN1-related conditions. Algorithms developed to predict the effect of missense changes on protein structure and function output the following: SIFT: "Not Available"; PolyPhen-2: "Benign"; Align-GVGD: "Not Available". The arginine amino acid residue is found in multiple mammalian species, which suggests that this missense change does not adversely affect protein function. In summary, the available evidence is currently insufficient to determine the role of this variant in disease. Therefore, it has been classified as a Variant of Uncertain Significance.